The following is an entry in ClinVar:

ClinVar aggregate classification (germline): Conflicting classifications of pathogenicity. Review status: criteria provided, conflicting classifications (1 of 4 stars). 3 submissions from 3 submitters: Uncertain significance (1); Likely benign (1). 1 of the submissions does not count toward it. Last evaluated 2025-08-10.

Conditions:
COL4A4-related disorder.
Inborn genetic diseases. Identifiers: MedGen C0950123, MeSH D030342.

Allele frequency attached by ClinVar (database versions not stated): gnomAD exomes below 0.00001; TOPMed 0.00001; gnomAD 0.00002.
gnomAD v4.1: 5 of 1,614,114 alleles (0.00031%); highest among the groups gnomAD compares: African/African-American, 0.0067%; no homozygotes.

Submissions (3):

Ambry Genetics
Classification: Uncertain significance for Inborn genetic diseases. Last evaluated: 2025-08-10. Review status: criteria provided, single submitter. Criteria: Ambry Variant Classification Scheme 2023. Collection method: clinical testing. Allele origin: germline.

Labcorp Genetics (formerly Invitae), Labcorp
Classification: Likely benign. Last evaluated: 2024-05-06. Review status: criteria provided, single submitter. Criteria: Invitae Variant Classification Sherloc (09022015). Collection method: clinical testing. Allele origin: germline.

PreventionGenetics, part of Exact Sciences
Classification: Uncertain significance for COL4A4-related condition. Last evaluated: 2024-08-28. Review status: no assertion criteria provided. Collection method: clinical testing. Allele origin: germline. Not counted in ClinVar's aggregate classification.
Comment: The COL4A4 c.4614C>G variant is predicted to result in the amino acid substitution p.Asp1538Glu. To our knowledge, this variant has not been reported in the literature. This variant is reported in 0.023% of alleles in individuals of African descent in gnomAD. At this time, the clinical significance of this variant is uncertain due to the absence of conclusive functional and genetic evidence.

NM_000092.5(COL4A4):c.4614C>G (p.Asp1538Glu)

Gene: COL4A4 (collagen type IV alpha 4 chain; minus strand). Cytogenetic location: 2q36.3.
Variant type: single nucleotide variant.
Coding change: c.4614C>G on transcript NM_000092.5 (MANE Select); coding-DNA position 4614, C replaced by G.
Protein change: p.Asp1538Glu; replaces aspartic acid 1538 with glutamic acid.
Molecular consequence: missense variant.
Genome position (GRCh38, 1-based): chr2:227,008,213, G>C on the plus strand (C>G on the coding strand, the complement: COL4A4 is on the minus strand). VCF-style: chr2-227008213-G-C. GRCh37 (hg19) VCF-style: chr2-227872929-G-C.
Other names: short protein forms D1538E.
Identifiers: ClinVar variation 2898988 (VCV002898988.5), dbSNP rs1366389265, ClinGen allele CA351140842.
Genomic context (GRCh38, chr2:227,008,213, plus strand): 5'-CGCCTCTTCAGAGAGTGGCATCATGGGGAGGGGCGCAGCGCTGGCCAGCCAGTAGGATCT[G>C]TCGTTTCTCTGGGCATAGTGGCACACCTGGTGGATGTTGCAGTAGGCAAAGGGCAGCGTG-3'
Protein context (NP_000083.3, residues 1528-1548): HQVCHYAQRN[Asp1538Glu]RSYWLASAAP